The following is an entry in ClinVar:

NM_000433.4(NCF2):c.251_254del (p.Thr84fs)

Gene: NCF2 (neutrophil cytosolic factor 2; minus strand). Cytogenetic location: 1q25.3.
Variant type: Microsatellite.
Coding change: c.251_254del on transcript NM_000433.4 (MANE Select); coding-DNA positions 251 to 254, 4 bases deleted (CAGA; older notation c.251_254delCAGA).
Protein change: p.Thr84fs; shifts the reading frame from threonine 84.
Molecular consequence: frameshift variant.
Genome position (GRCh38, 1-based): chr1:183,586,898-183,586,901, TCTG deleted on the plus strand (CAGA on the coding strand, the reverse complement: NCF2 is on the minus strand); deleting any 4 consecutive bases within chr1:183,586,898-183,586,905 gives the same sequence; the c. name uses the placement nearest the transcript's 3' end. VCF-style (leftmost placement, unchanged base first): chr1-183586897-CTCTG-C. GRCh37 (hg19) VCF-style: chr1-183556032-CTCTG-C.
Other names: c.251_254del, p.Thr84fs (NM_001127651.3, NM_001190789.2, NM_001190794.2); short protein forms T84fs.
Identifiers: ClinVar variation 1446473 (VCV001446473.6), dbSNP rs2102934288, ClinGen allele CA2580611516.

ClinVar aggregate classification (germline): Pathogenic (1 of 4 stars; one submission).

Conditions:
Granulomatous disease, chronic, autosomal recessive, cytochrome b-positive, type 2. Also called: Chronic Granulomatous Disease, Autosomal Recessive, Cytochrome b-Positive, Type II; CGD, AUTOSOMAL RECESSIVE CYTOCHROME b-POSITIVE, TYPE II; GRANULOMATOUS DISEASE, CHRONIC, DUE TO NCF2 DEFICIENCY; GRANULOMATOUS DISEASE, CHRONIC, AUTOSOMAL RECESSIVE, 2; Chronic granulomatous disease due to deficiency of NCF-2. Identifiers: Orphanet 379, MedGen C1856245, MONDO:0009310, OMIM 233710.

Submission:

Labcorp Genetics (formerly Invitae), Labcorp
Classification: Pathogenic for Granulomatous disease, chronic, autosomal recessive, cytochrome b-positive, type 2. Last evaluated: 2023-10-13. Review status: criteria provided, single submitter. Criteria: Invitae Variant Classification Sherloc (09022015). Collection method: clinical testing. Allele origin: germline.
Comment: This sequence change creates a premature translational stop signal (p.Thr84Argfs*14) in the NCF2 gene. It is expected to result in an absent or disrupted protein product. Loss-of-function variants in NCF2 are known to be pathogenic (PMID: 10498624, 20167518). This variant is not present in population databases (gnomAD no frequency). This variant has not been reported in the literature in individuals affected with NCF2-related conditions. For these reasons, this variant has been classified as Pathogenic.

Literature cited by the submitters: PubMed 10498624; PubMed 20167518.